The following is an entry in ClinVar:

ClinVar aggregate classification (germline): Likely pathogenic. Review status: criteria provided, multiple submitters, no conflicts (2 of 4 stars). 2 submissions from 2 submitters: Likely pathogenic (2). Last evaluated 2026-01-05.

Conditions:
Hypertrophic cardiomyopathy 26. Also called: Cardiomyopathy, familial hypertrophic, 26. Identifiers: Orphanet 75249, MedGen C4310749, MONDO:0014883, OMIM 617047.
Myofibrillar myopathy 5. Also called: Filaminopathy (type); FILAMINOPATHY, AUTOSOMAL DOMINANT. Identifiers: Orphanet 171445, MedGen C1836050, MONDO:0012289, OMIM 609524.
Distal myopathy with posterior leg and anterior hand involvement. Also called: WILLIAMS DISTAL MYOPATHY. Identifiers: Orphanet 63273, MedGen C3279722, MONDO:0013550, OMIM 614065.

Allele frequency attached by ClinVar (database versions not stated): gnomAD exomes below 0.00001.
gnomAD v4.1: 1 of 1,613,968 alleles (0.000062%); highest among the groups gnomAD compares: Non-Finnish European, 0.000085%; no homozygotes.

Submissions (2):

GeneDx
Classification: Likely pathogenic. Last evaluated: 2026-01-05. Review status: criteria provided, single submitter. Criteria: GeneDx Variant Classification Process June 2021. Collection method: clinical testing. Allele origin: germline.
Comment: Identified by exome sequencing in individuals participating in Geisingers MyCode Community Health Initiative (PMID: 35699965); Canonical splice site variant predicted to result in a null allele in a gene for which loss of function is a known mechanism of disease; Not observed at significant frequency in large population cohorts (gnomAD); This variant is associated with the following publications: (PMID: 35699965)

Labcorp Genetics (formerly Invitae), Labcorp
Classification: Likely pathogenic for Distal myopathy with posterior leg and anterior hand involvement; Myofibrillar myopathy 5; Hypertrophic cardiomyopathy 26. Last evaluated: 2023-03-07. Review status: criteria provided, single submitter. Criteria: Invitae Variant Classification Sherloc (09022015). Collection method: clinical testing. Allele origin: germline.
Comment: Algorithms developed to predict the effect of sequence changes on RNA splicing suggest that this variant may disrupt the consensus splice site. This sequence change affects a donor splice site in intron 12 of the FLNC gene. It is expected to disrupt RNA splicing. Variants that disrupt the donor or acceptor splice site typically lead to a loss of protein function (PMID: 16199547), and loss-of-function variants in FLNC are known to be pathogenic (PMID: 27908349). This variant is present in population databases (no rsID available, gnomAD 0.0009%). This variant has not been reported in the literature in individuals affected with FLNC-related conditions. In summary, the currently available evidence indicates that the variant is pathogenic, but additional data are needed to prove that conclusively. Therefore, this variant has been classified as Likely Pathogenic.

Literature cited by the submitters: PubMed 16199547 (cited by Labcorp Genetics (formerly Invitae), Labcorp); PubMed 27908349 (cited by Labcorp Genetics (formerly Invitae), Labcorp).

NM_001458.5(FLNC):c.2007+1G>A

Gene: FLNC (filamin C; plus strand). Cytogenetic location: 7q32.1.
Variant type: single nucleotide variant.
Coding change: c.2007+1G>A on transcript NM_001458.5 (MANE Select); the canonical splice donor site of the intron after coding-DNA position 2007, G replaced by A.
Molecular consequence: splice donor variant.
Genome position (GRCh38, 1-based): chr7:128,841,364, G>A. VCF-style: chr7-128841364-G-A. GRCh37 (hg19) VCF-style: chr7-128481418-G-A.
Other names: c.2007+1G>A (NM_001127487.2).
Identifiers: ClinVar variation 2930258 (VCV002930258.5), dbSNP rs1345953797, ClinGen allele CA369227560.